The following is an entry in ClinVar:

NM_001105206.3(LAMA4):c.3283-5C>T

Gene: LAMA4 (laminin subunit alpha 4; minus strand). Cytogenetic location: 6q21.
Variant type: single nucleotide variant.
Coding change: c.3283-5C>T on transcript NM_001105206.3 (MANE Select); 5 bases into the intron before coding-DNA position 3283, C replaced by T.
Molecular consequence: intron variant.
Genome position (GRCh38, 1-based): chr6:112,136,259, G>A on the plus strand (C>T on the coding strand, the complement: LAMA4 is on the minus strand). VCF-style: chr6-112136259-G-A. GRCh37 (hg19) VCF-style: chr6-112457461-G-A.
Other names: c.3262-5C>T (NM_002290.5, NM_001105207.3).
Identifiers: ClinVar variation 1729542 (VCV001729542.2), dbSNP rs782388091, ClinGen allele CA2580074818.

ClinVar aggregate classification (germline): Uncertain significance (1 of 4 stars; one submission).

Conditions:
Cardiovascular phenotype. Identifiers: MedGen CN230736.

Submission:

Ambry Genetics
Classification: Uncertain significance for Cardiovascular phenotype. Last evaluated: 2021-04-06. Review status: criteria provided, single submitter. Criteria: Ambry Variant Classification Scheme 2023. Collection method: clinical testing. Allele origin: germline.
Comment: The c.3262-5C>T intronic variant results from a C to T substitution 5 nucleotides upstream from coding exon 24 in the LAMA4 gene. This nucleotide position is not well conserved in available vertebrate species. In silico splice site analysis predicts that this alteration will not have any significant effect on splicing. Since supporting evidence is limited at this time, the clinical significance of this alteration remains unclear.